The following is an entry in ClinVar:

ClinVar aggregate classification (germline): Uncertain significance. Review status: criteria provided, multiple submitters, no conflicts (2 of 4 stars). 4 submissions from 4 submitters: Uncertain significance (4). Last evaluated 2025-04-12.

Conditions:
Autosomal recessive limb-girdle muscular dystrophy type 2W (MDRCMTT). Also called: Muscular dystrophy, limb-girdle, type 2W; Muscular dystrophy, autosomal recessive, with cardiomyopathy and triangular tongue. Identifiers: MedGen C4225192, MONDO:0014788, OMIM 616827.

Allele frequency attached by ClinVar (database versions not stated): gnomAD exomes 0.00012 and 0.00016; ExAC 0.00017; gnomAD 0.00021; TOPMed 0.00022; ESP Exome Variant Server 0.00031.

Submissions (4):

Labcorp Genetics (formerly Invitae), Labcorp
Classification: Uncertain significance for Autosomal recessive limb-girdle muscular dystrophy type 2W. Last evaluated: 2025-04-12. Review status: criteria provided, single submitter. Criteria: Invitae Variant Classification Sherloc (09022015). Collection method: clinical testing. Allele origin: germline.
Comment: This sequence change replaces arginine, which is basic and polar, with histidine, which is basic and polar, at codon 224 of the LIMS2 protein (p.Arg224His). This variant is present in population databases (rs148420126, gnomAD 0.03%). This variant has not been reported in the literature in individuals affected with LIMS2-related conditions. ClinVar contains an entry for this variant (Variation ID: 644767). Invitae Evidence Modeling of protein sequence and biophysical properties (such as structural, functional, and spatial information, amino acid conservation, physicochemical variation, residue mobility, and thermodynamic stability) indicates that this missense variant is not expected to disrupt LIMS2 protein function with a negative predictive value of 80%. In summary, the available evidence is currently insufficient to determine the role of this variant in disease. Therefore, it has been classified as a Variant of Uncertain Significance.

Ambry Genetics
Classification: Uncertain significance. Last evaluated: 2024-11-25. Review status: criteria provided, single submitter. Criteria: Ambry Variant Classification Scheme 2023. Collection method: clinical testing. Allele origin: germline.

Blueprint Genetics
Classification: Uncertain significance. Last evaluated: 2024-10-11. Review status: criteria provided, single submitter. Criteria: ACMG Guidelines, 2015. Collection method: clinical testing. Allele origin: germline.

Revvity Omics, Revvity
Classification: Uncertain significance for Autosomal recessive limb-girdle muscular dystrophy type 2W. Last evaluated: 2023-12-26. Review status: criteria provided, single submitter. Criteria: ACMG Guidelines, 2015. Collection method: clinical testing. Allele origin: germline.

NM_001161403.3(LIMS2):c.605G>A (p.Arg202His)

Gene: LIMS2 (LIM zinc finger domain containing 2; minus strand). Cytogenetic location: 2q14.3.
Variant type: single nucleotide variant.
Coding change: c.605G>A on transcript NM_001161403.3 (MANE Select); coding-DNA position 605, G replaced by A.
Protein change: p.Arg202His; replaces arginine 202 with histidine.
Molecular consequence: missense variant.
Genome position (GRCh38, 1-based): chr2:127,642,104, C>T on the plus strand (G>A on the coding strand, the complement: LIMS2 is on the minus strand). VCF-style: chr2-127642104-C-T. GRCh37 (hg19) VCF-style: chr2-128399679-C-T.
Other names: c.671G>A (NM_001136037.3); c.671G>A, p.Arg224His (NM_001136037.4); c.590G>A, p.Arg197His (NM_001161404.2); c.149G>A, p.Arg50His (NM_001256542.2); c.677G>A, p.Arg226His (NM_017980.5); short protein forms R224H, R226H, R50H, R197H, R202H.
Identifiers: ClinVar variation 644767 (VCV000644767.12), dbSNP rs148420126, ClinGen allele CA1862991.